The following is an entry in ClinVar:

NM_004327.4(BCR):c.3366C>T (p.Asn1122=)

Gene: BCR (BCR activator of RhoGEF and GTPase; plus strand). Cytogenetic location: 22q11.23.
Variant type: single nucleotide variant.
Coding change: c.3366C>T on transcript NM_004327.4 (MANE Select); coding-DNA position 3366, C replaced by T.
Protein change: p.Asn1122=; no amino-acid change (asparagine 1122 retained).
Molecular consequence: synonymous variant.
Genome position (GRCh38, 1-based): chr22:23,312,930, C>T. VCF-style: chr22-23312930-C-T. GRCh37 (hg19) VCF-style: chr22-23655117-C-T.
Other names: c.3234C>T, p.Asn1078= (NM_021574.3).
Identifiers: ClinVar variation 5038679 (VCV005038679.1).
Genomic context (GRCh38, chr22:23,312,930, plus strand): 5'-TTCCGTGCTCTTTCCAGATAACAAGGACGTGTCGGTGATGATGAGCGAGATGGACGTGAA[C>T]GCCATCGCAGGCACGCTGAAGCTGTACTTCCGTGAGCTGCCCGAGCCCCTCTTCACTGAC-3'
Protein context (NP_004318.3, residues 1112-1132): VSVMMSEMDV[Asn1122=]AIAGTLKLYF

ClinVar aggregate classification (germline): Likely benign (1 of 4 stars; one submission).

gnomAD v4.1: 201 of 1,590,556 alleles (0.013%); highest among the groups gnomAD compares: Admixed American, 0.11%; 2 homozygotes.

Submission:

CeGaT Center for Human Genetics Tuebingen
Classification: Likely benign. Last evaluated: 2026-08-01. Review status: criteria provided, single submitter. Criteria: CeGaT Center For Human Genetics Tuebingen Variant Classification Criteria Version 2. Collection method: clinical testing. Allele origin: germline. Affected: yes. Observed: 1 variant allele.
Comment: BCR: BP4, BP7